The following is an entry in ClinVar:

ClinVar aggregate classification (germline): Uncertain significance. Review status: criteria provided, multiple submitters, no conflicts (2 of 4 stars). 2 submissions from 2 submitters: Uncertain significance (2). Last evaluated 2023-11-30.

Conditions:
Cardiomyopathy (CMYO). Also called: Cardiomyopathies. Identifiers: Orphanet 167848, MedGen C0878544, MONDO:0004994, HP:0001638. Inheritance: Various modes of inheritance.

Allele frequency attached by ClinVar (database versions not stated): gnomAD exomes below 0.00001.
gnomAD v4.1: 4 of 1,614,170 alleles (0.00025%); highest among the groups gnomAD compares: Non-Finnish European, 0.00034%; no homozygotes.

Submissions (2):

All of Us Research Program, National Institutes of Health
Classification: Uncertain significance for Cardiomyopathy. Last evaluated: 2023-11-30. Review status: criteria provided, single submitter. Criteria: ACMG Guidelines, 2015. Collection method: clinical testing. Allele origin: germline. Inheritance: Autosomal dominant inheritance. Observed: 1 variant allele, 1 heterozygote.
Comment: This study involves interpretation of variants in research participants for the purpose of population health screening. Participant phenotype was not available at the time of variant classification. Additional details can be found in publication PMID: 35346344, PMCID: PMC8962531

Laboratory for Molecular Medicine, Mass General Brigham Personalized Medicine
Classification: Uncertain significance. Last evaluated: 2013-10-21. Review status: criteria provided, single submitter. Criteria: LMM Criteria. Collection method: clinical testing. Allele origin: germline. Observed: 2 variant alleles.
Comment: Variant classified as Uncertain Significance - Favor Benign. It has not been identified in large population studies. Valine (Val) a t position 1323 is not conserved in mammals or evolutionarily distant species an d the change to isoleucine (Ile; this variant) has been identified in two fish s pecies. Additionally, this variant was predicted to be benign using a computatio nal tool clinically validated by our laboratory. This tool's benign prediction i s estimated to be correct 89% of the time (Jordan 2011). Although this data supp orts that the Val1323Ile variant may be benign, additional studies are needed to fully assess its clinical significance.

NM_000257.4(MYH7):c.3967G>A (p.Val1323Ile)

Gene: MYH7 (myosin heavy chain 7; minus strand). Cytogenetic location: 14q11.2.
Variant type: single nucleotide variant.
Coding change: c.3967G>A on transcript NM_000257.4 (MANE Select); coding-DNA position 3967, G replaced by A.
Protein change: p.Val1323Ile; replaces valine 1323 with isoleucine.
Molecular consequence: missense variant.
Genome position (GRCh38, 1-based): chr14:23,419,182, C>T on the plus strand (G>A on the coding strand, the complement: MYH7 is on the minus strand). VCF-style: chr14-23419182-C-T. GRCh37 (hg19) VCF-style: chr14-23888391-C-T.
Other names: short protein forms V1323I.
Identifiers: ClinVar variation 164296 (VCV000164296.5), dbSNP rs727503247, ClinGen allele CA014251.
Genomic context (GRCh38, chr14:23,419,182, plus strand): 5'-AAGGCTAGTCAGTGTGCTCCTTGCTTGGGCCAGGTGGCCCGAGTCTAGCCCTTACCTTAA[C>T]CTCCTCCTCCAGCTGCCTCTTGAGGTCCTCCAGCTGCTGGGTGTAGGTGAGCTTGCCTCG-3'
Protein context (NP_000248.2, residues 1313-1333): EDLKRQLEEE[Val1323Ile]KAKNALAHAL